The following is an entry in ClinVar:

ClinVar aggregate classification (germline): Likely pathogenic. Review status: criteria provided, multiple submitters, no conflicts (2 of 4 stars). 5 submissions from 5 submitters: Likely pathogenic (5). Last evaluated 2025-11-26.

Conditions:
Cardiovascular phenotype. Identifiers: MedGen CN230736.
Tibial muscular dystrophy (TMD). Also called: UDD MYOPATHY; Udd Distal Myopathy – Tibial Muscular Dystrophy; Tibial muscular dystrophy, tardive. Identifiers: Orphanet 609, MedGen C1838244, MONDO:0010870, OMIM 600334.
Early-onset myopathy with fatal cardiomyopathy (CMYO5). Also called: CONGENITAL MYOPATHY 5 WITH CARDIOMYOPATHY; Salih Myopathy. Identifiers: Orphanet 289377, MedGen C2673677, MONDO:0012714, OMIM 611705. Disease mechanism: loss of function.
Hypertrophic cardiomyopathy 9. Also called: Familial hypertrophic cardiomyopathy 9. Identifiers: MedGen C1861065, MONDO:0013412, OMIM 613765.
Dilated cardiomyopathy 1G (CMD1G). Identifiers: Orphanet 154, MedGen C1858763, MONDO:0011400, OMIM 604145.
Autosomal recessive limb-girdle muscular dystrophy type 2J (LGMDR10). Also called: MUSCULAR DYSTROPHY, LIMB-GIRDLE, AUTOSOMAL RECESSIVE 10; Limb-girdle muscular dystrophy, type 2J. Identifiers: Orphanet 140922, MedGen C1837342, MONDO:0012127, OMIM 608807.
Myopathy, myofibrillar, 9, with early respiratory failure (MFM9). Also called: MYOPATHY, PROXIMAL, WITH EARLY RESPIRATORY MUSCLE INVOLVEMENT; Myopathy, distal, with early respiratory failure, autosomal dominant; EDSTROM MYOPATHY; Hereditary myopathy with early respiratory failure. Identifiers: Orphanet 178464, Orphanet 34521, MedGen C1863599, MONDO:0011362, OMIM 603689.
TTN-related disorder. Also called: TTN-related condition; TTN-related disease; TTN-related disorders.

Submissions (5):

Labcorp Genetics (formerly Invitae), Labcorp
Classification: Likely pathogenic for Dilated cardiomyopathy 1G; Autosomal recessive limb-girdle muscular dystrophy type 2J. Last evaluated: 2025-11-26. Review status: criteria provided, single submitter. Criteria: Invitae Variant Classification Sherloc (09022015). Collection method: clinical testing. Allele origin: germline.
Comment: This sequence change creates a premature translational stop signal (p.Thr20152Serfs*7) in the TTN gene. While this is not anticipated to result in nonsense mediated decay, it is expected to create a truncated TTN protein. This variant is not present in population databases (gnomAD no frequency). This variant has not been reported in the literature in individuals affected with TTN-related conditions. ClinVar contains an entry for this variant (Variation ID: 1497348). This variant is located in the A band of TTN (PMID: 25589632). Truncating variants in this region are significantly overrepresented in patients affected with dilated cardiomyopathy (PMID: 25589632). Truncating variants in this region have also been reported in individuals affected with autosomal recessive centronuclear myopathy (PMID: 23975875). In summary, the currently available evidence indicates that the variant is pathogenic, but additional data are needed to prove that conclusively. Therefore, this variant has been classified as Likely Pathogenic.

MVZ Martinsried, Medicover Genetics
Classification: Likely pathogenic for Dilated cardiomyopathy 1G. Last evaluated: 2025-10-29. Review status: criteria provided, single submitter. Criteria: ClinGen Variant Curation SOP V3.2 + Classification Guidance July2025. Collection method: clinical testing. Allele origin: inherited. Affected: no. Observed: 1 heterozygote.

Ambry Genetics
Classification: Likely pathogenic for Cardiovascular phenotype. Last evaluated: 2025-07-11. Review status: criteria provided, single submitter. Criteria: Ambry Variant Classification Scheme 2023. Collection method: clinical testing. Allele origin: germline.
Comment: The c.33260_33261delCA variant, located in coding exon 131 of the TTN gene, results from a deletion of two nucleotides at nucleotide positions 33260 to 33261, causing a translational frameshift with a predicted alternate stop codon (p.T11087Sfs*7). This exon is located in the A-band region of the N2-B isoform of the titin protein and is constitutively expressed in TTN transcripts (percent spliced in or PSI 100%). This variant is considered to be rare based on population cohorts in the Genome Aggregation Database (gnomAD). This variant is expected to result in loss of function by premature protein truncation or nonsense-mediated mRNA decay. While truncating variants in TTN are present in 1-3% of the general population, truncating variants in the A-band are the most common cause of dilated cardiomyopathy (Herman DS et al. N. Engl. J. Med., 2012 Feb;366:619-28; Roberts AM et al. Sci Transl Med, 2015 Jan;7:270ra6). TTN truncating variants encoded in constitutive exons (PSI >90%) have been found to be significantly associated with DCM regardless of their position in titin (Schafer S et al. Nat. Genet., 2017 01;49:46-53; Akhtar MM et al. Circ Heart Fail, 2020 Oct;13:e006832; Massier M et al. Clin Genet, 2025 Jan). As such, this alteration is classified as likely pathogenic.

Fulgent Genetics
Classification: Likely pathogenic for Tibial muscular dystrophy; Myopathy, myofibrillar, 9, with early respiratory failure; Dilated cardiomyopathy 1G; Autosomal recessive limb-girdle muscular dystrophy type 2J; Early-onset myopathy with fatal cardiomyopathy; Hypertrophic cardiomyopathy 9. Last evaluated: 2021-10-09. Review status: criteria provided, single submitter. Criteria: ACMG Guidelines, 2015. Collection method: clinical testing. Allele origin: unknown.

Blueprint Genetics
Classification: Likely pathogenic for TTN-related disorders. Last evaluated: 2019-02-11. Review status: criteria provided, single submitter. Criteria: ACMG Guidelines, 2015. Collection method: clinical testing. Allele origin: germline. Affected: yes. Observed: 1 variant allele.

Literature cited by the submitters: PubMed 25589632 (cited by Labcorp Genetics (formerly Invitae), Labcorp); PubMed 23975875 (cited by Labcorp Genetics (formerly Invitae), Labcorp).

NM_001267550.2(TTN):c.60455_60456del (p.Thr20152fs)

Genes: TTN (titin; minus strand), TTN-AS1 (TTN antisense RNA 1; plus strand). Cytogenetic location: 2q31.2.
Variant type: Microsatellite.
Coding change: c.60455_60456del on transcript NM_001267550.2 (MANE Select); coding-DNA positions 60455 to 60456, 2 bases deleted (CA; older notation c.60455_60456delCA).
Protein change: p.Thr20152fs; shifts the reading frame from threonine 20152.
Molecular consequence: frameshift variant. On other transcripts: non-coding transcript variant (1).
Genome position (GRCh38, 1-based): chr2:178,591,269-178,591,270, TG deleted on the plus strand (CA on the coding strand, the reverse complement: TTN is on the minus strand); deleting any 2 consecutive bases within chr2:178,591,269-178,591,272 gives the same sequence; the c. name uses the placement nearest the transcript's 3' end. VCF-style (leftmost placement, unchanged base first): chr2-178591268-CTG-C. GRCh37 (hg19) VCF-style: chr2-179455995-CTG-C.
Other names: c.55532_55533del, p.Thr18511fs (NM_001256850.1); c.33260_33261del, p.Thr11087fs (NM_003319.4); c.52751_52752del, p.Thr17584fs (NM_133378.4); c.33635_33636del, p.Thr11212fs (NM_133432.3); c.33836_33837del, p.Thr11279fs (NM_133437.4); c.33260_33261delCA (NM_003319.4); short protein forms T11212fs, T18511fs, T20152fs, T11087fs, T11279fs, T17584fs.
Identifiers: ClinVar variation 1497348 (VCV001497348.14), dbSNP rs2154184873, ClinGen allele CA2580614508.